The following is an entry in ClinVar:

NM_005732.4(RAD50):c.3476-1G>C

Genes: TH2LCRR (T helper type 2 locus control region associated RNA; minus strand), TH2-LCR (Th2 cytokine locus control region; plus strand), RAD50 (RAD50 double strand break repair protein; plus strand). Cytogenetic location: 5q31.1.
Variant type: single nucleotide variant.
Coding change: c.3476-1G>C on transcript NM_005732.4 (MANE Select); the canonical splice acceptor site of the intron before coding-DNA position 3476, G replaced by C.
Molecular consequence: splice acceptor variant. On other transcripts: non-coding transcript variant (2).
Genome position (GRCh38, 1-based): chr5:132,638,080, G>C. VCF-style: chr5-132638080-G-C. GRCh37 (hg19) VCF-style: chr5-131973772-G-C.
Identifiers: ClinVar variation 573565 (VCV000573565.9), dbSNP rs151131414, ClinGen allele CA127235152.
Genomic context (GRCh38, chr5:132,638,080, plus strand): 5'-TGTAAATGACAAAAGGCTACAGAGCATAGGTTCCTCTAAAATATTCTTCTTCCTGTGTCA[G>C]ATATTGAATACATAGAAATACGGTCTGATGCCGATGAAAATGTATCAGCTTCTGATAAAA-3'

ClinVar aggregate classification (germline): Likely pathogenic (1 of 4 stars; one submission).

Conditions:
Hereditary cancer-predisposing syndrome. Also called: Neoplastic Syndromes, Hereditary; Hereditary Cancer Syndrome; Tumor predisposition; Hereditary neoplastic syndrome. Identifiers: Orphanet 140162, MedGen C0027672, MeSH D009386, MONDO:0015356.

Allele frequency attached by ClinVar (database versions not stated): gnomAD exomes below 0.00001; ESP Exome Variant Server 0.00008.
gnomAD v4.1: 1 of 1,613,968 alleles (0.000062%); highest among the groups gnomAD compares: Non-Finnish European, 0.000085%; no homozygotes.

Submission:

Labcorp Genetics (formerly Invitae), Labcorp
Classification: Likely pathogenic for Hereditary cancer-predisposing syndrome. Last evaluated: 2022-07-18. Review status: criteria provided, single submitter. Criteria: Invitae Variant Classification Sherloc (09022015). Collection method: clinical testing. Allele origin: germline.
Comment: In summary, the currently available evidence indicates that the variant is pathogenic, but additional data are needed to prove that conclusively. Therefore, this variant has been classified as Likely Pathogenic. Algorithms developed to predict the effect of sequence changes on RNA splicing suggest that this variant may disrupt the consensus splice site. ClinVar contains an entry for this variant (Variation ID: 573565). This variant has not been reported in the literature in individuals affected with RAD50-related conditions. This variant is not present in population databases (gnomAD no frequency). This sequence change affects an acceptor splice site in intron 22 of the RAD50 gene. It is expected to disrupt RNA splicing. Variants that disrupt the donor or acceptor splice site typically lead to a loss of protein function (PMID: 16199547), and loss-of-function variants in RAD50 are known to be pathogenic (PMID: 19409520).

Literature cited by the submitters: PubMed 16199547; PubMed 19409520.